The following is an entry in ClinVar:

NM_203447.4(DOCK8):c.4414G>A (p.Asp1472Asn)

Gene: DOCK8 (dedicator of cytokinesis 8; plus strand). Cytogenetic location: 9p24.3.
Variant type: single nucleotide variant.
Coding change: c.4414G>A on transcript NM_203447.4 (MANE Select); coding-DNA position 4414, G replaced by A.
Protein change: p.Asp1472Asn; replaces aspartic acid 1472 with asparagine.
Molecular consequence: missense variant.
Genome position (GRCh38, 1-based): chr9:428,437, G>A. VCF-style: chr9-428437-G-A. GRCh37 (hg19) VCF-style: chr9-428437-G-A.
Other names: c.4114G>A, p.Asp1372Asn (NM_001190458.2); c.4210G>A, p.Asp1404Asn (NM_001193536.2); short protein forms D1372N, D1404N, D1472N.
Identifiers: ClinVar variation 941089 (VCV000941089.6), dbSNP rs1198717236, ClinGen allele CA372766081.
Genomic context (GRCh38, chr9:428,437, plus strand): 5'-GACTGTAAAGACAGCCTGCTGGGAGGTGTTCTGAGGGTGCTGGTGAATTCTCTGAACTGT[G>A]ATCAGAGTACCACCTACCTGACTCACTGCTTTGCAACACTCCGTGCTCTCATCGCCAAGG-3'
Protein context (NP_982272.2, residues 1462-1482): LRVLVNSLNC[Asp1472Asn]QSTTYLTHCF

ClinVar aggregate classification (germline): Uncertain significance (1 of 4 stars; one submission).

Conditions:
Combined immunodeficiency due to DOCK8 deficiency (HIES2). Also called: HIES autosomal recessive; DOCK8 Deficiency; Hyper-IgE recurrent infection syndrome, autosomal recessive; HYPER-IgE RECURRENT INFECTION SYNDROME 2, AUTOSOMAL RECESSIVE; HYPER-IgE SYNDROME 2, AUTOSOMAL RECESSIVE, WITH RECURRENT INFECTIONS. Identifiers: Orphanet 217390, MedGen C4722305, MONDO:0009478, OMIM 243700.

Allele frequency attached by ClinVar (database versions not stated): gnomAD exomes 0.00001.
gnomAD v4.1: 4 of 1,614,184 alleles (0.00025%); highest among the groups gnomAD compares: Middle Eastern, 0.016%; no homozygotes.

Submission:

Labcorp Genetics (formerly Invitae), Labcorp
Classification: Uncertain significance for Combined immunodeficiency due to DOCK8 deficiency. Last evaluated: 2023-12-11. Review status: criteria provided, single submitter. Criteria: Invitae Variant Classification Sherloc (09022015). Collection method: clinical testing. Allele origin: germline.
Comment: This sequence change replaces aspartic acid, which is acidic and polar, with asparagine, which is neutral and polar, at codon 1472 of the DOCK8 protein (p.Asp1472Asn). This variant is present in population databases (no rsID available, gnomAD 0.003%). This variant has not been reported in the literature in individuals affected with DOCK8-related conditions. ClinVar contains an entry for this variant (Variation ID: 941089). Advanced modeling of protein sequence and biophysical properties (such as structural, functional, and spatial information, amino acid conservation, physicochemical variation, residue mobility, and thermodynamic stability) performed at Invitae indicates that this missense variant is not expected to disrupt DOCK8 protein function with a negative predictive value of 80%. In summary, the available evidence is currently insufficient to determine the role of this variant in disease. Therefore, it has been classified as a Variant of Uncertain Significance.